The following is an entry in ClinVar:

ClinVar aggregate classification (germline): Uncertain significance. Review status: criteria provided, multiple submitters, no conflicts (2 of 4 stars). 4 submissions from 4 submitters: Uncertain significance (4). Last evaluated 2026-01-05.

Conditions:
Familial hypobetalipoproteinemia 1. Also called: Hypobetalipoproteinemia, normotriglyceridemic; Acanthocytosis with hypobetalipoproteinemia; APOB-Related Familial Hypobetalipoproteinemia. Identifiers: MedGen C4551990, MONDO:0014252, OMIM 615558.
Hypercholesterolemia, autosomal dominant, type B (FHCL2). Also called: Familial Hypercholesterolemia Type B; APOLIPOPROTEIN B-100, FAMILIAL DEFECTIVE; APOLIPOPROTEIN B-100, FAMILIAL LIGAND-DEFECTIVE; HYPERCHOLESTEROLEMIA, FAMILIAL, DUE TO LIGAND-DEFECTIVE APOLIPOPROTEIN B; Familial hypercholesterolemia 2; APOB-Related Familial Hypercholesterolemia, Autosomal Dominant. Identifiers: MedGen C1704417, MONDO:0007751, OMIM 144010.
Familial hypercholesterolemia. Also called: Familial hypercholesterolemias; Familial hypercholesterolaemia. Identifiers: MedGen C0020445, MONDO:0005439.

Allele frequency attached by ClinVar (database versions not stated): TOPMed below 0.00001; gnomAD 0.00001; gnomAD exomes 0.00001 and 0.00002.
gnomAD v4.1: 33 of 1,601,438 alleles (0.0021%); highest among the groups gnomAD compares: Non-Finnish European, 0.0027%; no homozygotes.

Submissions (4):

Labcorp Genetics (formerly Invitae), Labcorp
Classification: Uncertain significance for Familial hypobetalipoproteinemia 1; Hypercholesterolemia, autosomal dominant, type B. Last evaluated: 2026-01-05. Review status: criteria provided, single submitter. Criteria: Invitae Variant Classification Sherloc (09022015). Collection method: clinical testing. Allele origin: germline.
Comment: This sequence change replaces isoleucine, which is neutral and non-polar, with threonine, which is neutral and polar, at codon 2233 of the APOB protein (p.Ile2233Thr). This variant is present in population databases (no rsID available, gnomAD 0.0009%). This variant has not been reported in the literature in individuals affected with APOB-related conditions. ClinVar contains an entry for this variant (Variation ID: 654490). Invitae Evidence Modeling of protein sequence and biophysical properties (such as structural, functional, and spatial information, amino acid conservation, physicochemical variation, residue mobility, and thermodynamic stability) indicates that this missense variant is not expected to disrupt APOB protein function with a negative predictive value of 95%. In summary, the available evidence is currently insufficient to determine the role of this variant in disease. Therefore, it has been classified as a Variant of Uncertain Significance.

Cambridge Genomics Laboratory, East Genomic Laboratory Hub, NHS Genomic Medicine Service
Classification: Uncertain significance for Familial hypercholesterolaemia. Last evaluated: 2025-07-30. Review status: criteria provided, single submitter. Criteria: ACGS Best Practice Guidelines for Variant Classification in Rare Disease 2020. Collection method: clinical testing. Allele origin: germline. Affected: yes.
Comment: PM2_Supporting,PP4

GeneDx
Classification: Uncertain significance. Last evaluated: 2025-05-09. Review status: criteria provided, single submitter. Criteria: GeneDx Variant Classification Process June 2021. Collection method: clinical testing. Allele origin: germline. Affected: yes.
Comment: Not observed at significant frequency in large population cohorts (gnomAD); In silico analysis supports that this missense variant has a deleterious effect on protein structure/function; Has not been previously published as pathogenic or benign to our knowledge; Also known as I2206T

Fulgent Genetics
Classification: Uncertain significance for Hypercholesterolemia, autosomal dominant, type B; Familial hypobetalipoproteinemia 1. Last evaluated: 2021-10-12. Review status: criteria provided, single submitter. Criteria: ACMG Guidelines, 2015. Collection method: clinical testing. Allele origin: unknown.

NM_000384.3(APOB):c.6698T>C (p.Ile2233Thr)

Gene: APOB (apolipoprotein B; minus strand). Cytogenetic location: 2p24.1.
Variant type: single nucleotide variant.
Coding change: c.6698T>C on transcript NM_000384.3 (MANE Select); coding-DNA position 6698, T replaced by C.
Protein change: p.Ile2233Thr; replaces isoleucine 2233 with threonine.
Molecular consequence: missense variant.
Genome position (GRCh38, 1-based): chr2:21,010,170, A>G on the plus strand (T>C on the coding strand, the complement: APOB is on the minus strand). VCF-style: chr2-21010170-A-G. GRCh37 (hg19) VCF-style: chr2-21233042-A-G.
Other names: short protein forms I2233T.
Identifiers: ClinVar variation 654490 (VCV000654490.14), dbSNP rs1176839033, ClinGen allele CA346000974.